The following is an entry in ClinVar:

NM_152564.5(VPS13B):c.11727_11728del (p.Arg3909fs)

Gene: VPS13B (vacuolar protein sorting 13 homolog B; plus strand). Cytogenetic location: 8q22.2.
Variant type: Microsatellite.
Coding change: c.11727_11728del on transcript NM_152564.5 (MANE Select); coding-DNA positions 11727 to 11728, 2 bases deleted (AG; older notation c.11727_11728delAG).
Protein change: p.Arg3909fs; shifts the reading frame from arginine 3909.
Molecular consequence: frameshift variant.
Genome position (GRCh38, 1-based): chr8:99,871,679-99,871,680, AG deleted; deleting any 2 consecutive bases within chr8:99,871,677-99,871,680 gives the same sequence; the c. name uses the placement nearest the transcript's 3' end. VCF-style (leftmost placement, unchanged base first): chr8-99871676-AAG-A. GRCh37 (hg19) VCF-style: chr8-100883904-AAG-A.
Other names: c.11802_11803del, p.Arg3934fs (NM_017890.5); short protein forms R3909fs, R3934fs.
Identifiers: ClinVar variation 1069053 (VCV001069053.9), dbSNP rs2130976129, ClinGen allele CA2580617216.
Genomic context (GRCh38, chr8:99,871,676, plus strand): 5'-AATCGACTGTGCACAGGACAGCAAGCAGAACAACTTACTCACAGTGCAGCTCAAGCAGCC[AAG>A]AGTGGCCTGTGATGTGGAGGTACGTTTCAGAAAACAGGGCAACCAAGACTAGCTGGCCAG-3'

ClinVar aggregate classification (germline): Pathogenic (1 of 4 stars; one submission).

Conditions:
Cohen syndrome (COH1). Also called: PEPPER SYNDROME; Cutis verticis gyrata, retinitis pigmentosa, and sensorineural deafness. Identifiers: Orphanet 193, MedGen C0265223, MONDO:0008999, OMIM 216550.

Submission:

Labcorp Genetics (formerly Invitae), Labcorp
Classification: Pathogenic for Cohen syndrome. Last evaluated: 2020-03-31. Review status: criteria provided, single submitter. Criteria: Invitae Variant Classification Sherloc (09022015). Collection method: clinical testing. Allele origin: germline.
Comment: This variant disrupts the C-terminus of the VPS13B protein. Other variant(s) that disrupt this region (p.Asn3954Lysfs*60) have been determined to be pathogenic (PMID: 20656880). This suggests that variants that disrupt this region of the protein are likely to be causative of disease. For these reasons, this variant has been classified as Pathogenic. This variant has not been reported in the literature in individuals with VPS13B-related conditions. This variant is not present in population databases (ExAC no frequency). This sequence change results in a premature translational stop signal in the VPS13B gene (p.Arg3934Serfs*4). While this is not anticipated to result in nonsense mediated decay, it is expected to disrupt the last 89 amino acids of the VPS13B protein.

Literature cited by the submitters: PubMed 20656880.